The following is an entry in ClinVar:

ClinVar aggregate classification (germline): Uncertain significance (1 of 4 stars; one submission).

Conditions:
Hereditary cancer-predisposing syndrome. Also called: Neoplastic Syndromes, Hereditary; Tumor predisposition; Hereditary neoplastic syndrome; Hereditary Cancer Syndrome. Identifiers: Orphanet 140162, MedGen C0027672, MeSH D009386, MONDO:0015356.

Submission:

Ambry Genetics
Classification: Uncertain significance for Hereditary cancer-predisposing syndrome. Last evaluated: 2026-07-07. Review status: criteria provided, single submitter. Criteria: Ambry Variant Classification Scheme 2023. Collection method: clinical testing. Allele origin: germline.
Comment: The p.A246V variant (also known as c.737C>T), located in coding exon 3 of the PHOX2B gene, results from a C to T substitution at nucleotide position 737. The alanine at codon 246 is replaced by valine, an amino acid with similar properties. This amino acid position is conserved. In addition, this alteration is predicted to be tolerated by in silico analysis. Based on the available evidence, the clinical significance of this variant remains unclear.

NM_003924.4(PHOX2B):c.737C>T (p.Ala246Val)

Genes: PHOX2B (paired like homeobox 2B; minus strand), LOC110011216 (paired like homeobox 2b polyalanine repeat instability region; plus strand). Cytogenetic location: 4p13.
Variant type: single nucleotide variant.
Coding change: c.737C>T on transcript NM_003924.4 (MANE Select); coding-DNA position 737, C replaced by T.
Protein change: p.Ala246Val; replaces alanine 246 with valine.
Molecular consequence: missense variant.
Genome position (GRCh38, 1-based): chr4:41,746,015, G>A on the plus strand (C>T on the coding strand, the complement: PHOX2B is on the minus strand). VCF-style: chr4-41746015-G-A. GRCh37 (hg19) VCF-style: chr4-41748032-G-A.
Other names: short protein forms A246V.
Identifiers: ClinVar variation 5026583 (VCV005026583.1).
Genomic context (GRCh38, chr4:41,746,015, plus strand): 5'-GCCGCAGCCAGGCCTCCAGCTGCCGCCGCTGCCGCTGCCGCCGCCGCCGCTGCCGCGGCC[G>A]CCGCCGCTGCTGCTGCGCCGCCCTTGCCGGGTTCGCCTCCCGGGCCCCCGGGCCCCGCCG-3'
Protein context (NP_003915.2, residues 236-256): PGKGGAAAAA[Ala246Val]AAAAAAAAAA